The following is an entry in ClinVar:

ClinVar aggregate classification (germline): Uncertain significance (1 of 4 stars; one submission).

gnomAD v4.1: 8 of 1,613,846 alleles (0.0005%); highest among the groups gnomAD compares: Non-Finnish European, 0.00059%; no homozygotes.

Submission:

Labcorp Genetics (formerly Invitae), Labcorp
Classification: Uncertain significance. Last evaluated: 2025-04-29. Review status: criteria provided, single submitter. Criteria: Invitae Variant Classification Sherloc (09022015). Collection method: clinical testing. Allele origin: germline.
Comment: This sequence change replaces alanine, which is neutral and non-polar, with glycine, which is neutral and non-polar, at codon 122 of the ROM1 protein (p.Ala122Gly). This variant is not present in population databases (gnomAD no frequency). This variant has not been reported in the literature in individuals affected with ROM1-related conditions. Invitae Evidence Modeling of protein sequence and biophysical properties (such as structural, functional, and spatial information, amino acid conservation, physicochemical variation, residue mobility, and thermodynamic stability) indicates that this missense variant is not expected to disrupt ROM1 protein function with a negative predictive value of 80%. In summary, the available evidence is currently insufficient to determine the role of this variant in disease. Therefore, it has been classified as a Variant of Uncertain Significance.

NM_000327.4(ROM1):c.365C>G (p.Ala122Gly)

Gene: ROM1 (retinal outer segment membrane protein 1; plus strand). Cytogenetic location: 11q12.3.
Variant type: single nucleotide variant.
Coding change: c.365C>G on transcript NM_000327.4 (MANE Select); coding-DNA position 365, C replaced by G.
Protein change: p.Ala122Gly; replaces alanine 122 with glycine.
Molecular consequence: missense variant.
Genome position (GRCh38, 1-based): chr11:62,613,646, C>G. VCF-style: chr11-62613646-C-G. GRCh37 (hg19) VCF-style: chr11-62381118-C-G.
Other names: short protein forms A122G.
Identifiers: ClinVar variation 4691322 (VCV004691322.1).